The following is an entry in ClinVar:

ClinVar aggregate classification (germline): Pathogenic/Likely pathogenic. Review status: criteria provided, multiple submitters, no conflicts (2 of 4 stars). 2 submissions from 2 submitters: Pathogenic (1); Likely pathogenic (1). Last evaluated 2025-04-08.

Conditions:
Pigmentary pallidal degeneration (NBIA1). Also called: PKAN NEUROAXONAL DYSTROPHY, JUVENILE-ONSET; HARP SYNDROME; Pantothenate Kinase-Associated Neurodegeneration; Neuroaxonal dystrophy, late infantile; Hallervorden-Spatz disease; Neurodegeneration with brain iron accumulation 1. Identifiers: Orphanet 157850, MedGen C0018523, MONDO:0009319, OMIM 234200.

Allele frequency attached by ClinVar (database versions not stated): gnomAD exomes below 0.00001 and 0.00003; gnomAD 0.00001.

Submissions (2):

Mayo Clinic Laboratories, Mayo Clinic
Classification: Likely pathogenic. Last evaluated: 2025-04-08. Review status: criteria provided, single submitter. Criteria: ACMG Guidelines, 2015. Collection method: clinical testing. Allele origin: germline. Observed: 1 variant allele.
Comment: PM2_supporting, PVS1

Labcorp Genetics (formerly Invitae), Labcorp
Classification: Pathogenic for Pigmentary pallidal degeneration. Last evaluated: 2023-12-09. Review status: criteria provided, single submitter. Criteria: Invitae Variant Classification Sherloc (09022015). Collection method: clinical testing. Allele origin: germline.
Comment: This sequence change creates a premature translational stop signal (p.Tyr258Phefs*14) in the PANK2 gene. It is expected to result in an absent or disrupted protein product. Loss-of-function variants in PANK2 are known to be pathogenic (PMID: 11479594, 12510040). This variant is present in population databases (no rsID available, gnomAD 0.002%). This variant has not been reported in the literature in individuals affected with PANK2-related conditions. ClinVar contains an entry for this variant (Variation ID: 1452444). For these reasons, this variant has been classified as Pathogenic.

Literature cited by the submitters: PubMed 31964843 (cited by Mayo Clinic Laboratories, Mayo Clinic); PubMed 11479594 (cited by Labcorp Genetics (formerly Invitae), Labcorp); PubMed 12510040 (cited by Labcorp Genetics (formerly Invitae), Labcorp).

NM_001386393.1(PANK2):c.440_441insCT (p.Tyr148fs)

Gene: PANK2 (pantothenate kinase 2; plus strand). Cytogenetic location: 20p13.
Variant type: Insertion.
Coding change: c.440_441insCT on transcript NM_001386393.1 (MANE Select); coding-DNA positions 440 to 441, CT inserted.
Protein change: p.Tyr148fs; shifts the reading frame from tyrosine 148.
Molecular consequence: frameshift variant. On other transcripts: 5 prime UTR variant (4), non-coding transcript variant (1).
Genome position: GRCh38 VCF-style: chr20-3908067-C-CCT. GRCh37 (hg19) VCF-style: chr20-3888714-C-CCT.
Other names: p.Tyr258Phefs*14; c.-104_-103insCT (NM_001324191.2, NM_024960.6, NM_153640.4); c.770_771insCT, p.Tyr258fs (NM_001324192.1, NM_153638.4); c.-396_-395insCT (NM_001324193.2); c.770_771insCT (NM_153638.3); short protein forms Y148fs, Y258fs.
Identifiers: ClinVar variation 1452444 (VCV001452444.7), dbSNP rs1375490128, ClinGen allele CA634331141.